The following is an entry in ClinVar:

ClinVar aggregate classification (germline): Uncertain significance (1 of 4 stars; one submission).

Conditions:
Hereditary nonpolyposis colorectal neoplasms. Identifiers: MedGen C0009405, MeSH D003123.

Submission:

Labcorp Genetics (formerly Invitae), Labcorp
Classification: Uncertain significance for Hereditary nonpolyposis colorectal neoplasms. Last evaluated: 2024-01-02. Review status: criteria provided, single submitter. Criteria: Invitae Variant Classification Sherloc (09022015). Collection method: clinical testing. Allele origin: germline.
Comment: This sequence change replaces serine, which is neutral and polar, with phenylalanine, which is neutral and non-polar, at codon 574 of the MSH6 protein (p.Ser574Phe). Information on the frequency of this variant in the gnomAD database is not available, as this variant may be reported differently in the database. This variant has not been reported in the literature in individuals affected with MSH6-related conditions. An algorithm developed to predict the effect of missense changes on protein structure and function (PolyPhen-2) suggests that this variant is likely to be disruptive. In summary, the available evidence is currently insufficient to determine the role of this variant in disease. Therefore, it has been classified as a Variant of Uncertain Significance.

NM_000179.3(MSH6):c.1721_1722delinsTC (p.Ser574Phe)

Gene: MSH6 (mutS homolog 6; plus strand). Cytogenetic location: 2p16.3.
Variant type: Indel.
Coding change: c.1721_1722delinsTC on transcript NM_000179.3 (MANE Select); coding-DNA positions 1721 to 1722, CA replaced by TC.
Protein change: p.Ser574Phe; replaces serine 574 with phenylalanine.
Molecular consequence: missense variant. On other transcripts: non-coding transcript variant (4), intron variant (2).
Genome position (GRCh38, 1-based): chr2:47,799,704-47,799,705, CA replaced by TC. VCF-style: chr2-47799704-CA-TC. GRCh37 (hg19) VCF-style: chr2-48026843-CA-TC.
Other names: c.1331_1332delinsTC, p.Ser444Phe (NM_001281492.2); c.815_816delinsTC, p.Ser272Phe (NM_001281493.2, NM_001281494.2, NM_001406811.1 and 6 more transcripts); c.1817_1818delinsTC, p.Ser606Phe (NM_001406795.1, NM_001406802.1); c.1721_1722delinsTC, p.Ser574Phe (NM_001406796.1, NM_001406798.1, NM_001406800.1 and 3 more transcripts); c.1424_1425delinsTC, p.Ser475Phe (NM_001406797.1, NM_001406818.1, NM_001406819.1 and 10 more transcripts); c.1196_1197delinsTC, p.Ser399Phe (NM_001406799.1, NM_001406806.1, NM_001406807.1); c.1727_1728delinsTC, p.Ser576Phe (NM_001406813.1); c.1606+115_1606+116delinsTC (NM_001406817.1); and 3 more; short protein forms S399F, S444F, S475F, S272F, S548F, S518F, S574F, S576F.
Identifiers: ClinVar variation 2706324 (VCV002706324.3), dbSNP rs2530626497, ClinGen allele CA2697548148.